The following is an entry in ClinVar:

ClinVar aggregate classification (germline): Uncertain significance (1 of 4 stars; one submission).

Conditions:
Familial adenomatous polyposis 1 (FAP1). Also called: FAMILIAL ADENOMATOUS POLYPOSIS 1, ATTENUATED; POLYPOSIS, ADENOMATOUS INTESTINAL. Identifiers: MedGen C2713442, MONDO:0021056, OMIM 175100. Disease mechanism: loss of function.

Submission:

Labcorp Genetics (formerly Invitae), Labcorp
Classification: Uncertain significance for Familial adenomatous polyposis 1. Last evaluated: 2023-05-25. Review status: criteria provided, single submitter. Criteria: Invitae Variant Classification Sherloc (09022015). Collection method: clinical testing. Allele origin: germline.
Comment: In summary, the available evidence is currently insufficient to determine the role of this variant in disease. Therefore, it has been classified as a Variant of Uncertain Significance. Advanced modeling of protein sequence and biophysical properties (such as structural, functional, and spatial information, amino acid conservation, physicochemical variation, residue mobility, and thermodynamic stability) performed at Invitae indicates that this missense variant is not expected to disrupt APC protein function. This variant has not been reported in the literature in individuals affected with APC-related conditions. This variant is not present in population databases (gnomAD no frequency). This sequence change replaces proline, which is neutral and non-polar, with arginine, which is basic and polar, at codon 2222 of the APC protein (p.Pro2222Arg).

NM_000038.6(APC):c.6665C>G (p.Pro2222Arg)

Gene: APC (APC regulator of Wnt signaling pathway; plus strand). Cytogenetic location: 5q22.2.
Variant type: single nucleotide variant.
Coding change: c.6665C>G on transcript NM_000038.6 (MANE Select); coding-DNA position 6665, C replaced by G.
Protein change: p.Pro2222Arg; replaces proline 2222 with arginine.
Molecular consequence: missense variant. On other transcripts: non-coding transcript variant (2).
Genome position (GRCh38, 1-based): chr5:112,842,259, C>G. VCF-style: chr5-112842259-C-G. GRCh37 (hg19) VCF-style: chr5-112177956-C-G.
Other names: c.6665C>G, p.Pro2222Arg (NM_001127510.3, NM_001354895.2, NM_001407450.1); c.6611C>G, p.Pro2204Arg (NM_001127511.3); c.6719C>G, p.Pro2240Arg (NM_001354896.2, NM_001407447.1, NM_001407448.1 and 1 more transcripts); c.6695C>G, p.Pro2232Arg (NM_001354897.2); c.6590C>G, p.Pro2197Arg (NM_001354898.2); c.6581C>G, p.Pro2194Arg (NM_001354899.2); c.6542C>G, p.Pro2181Arg (NM_001354900.2); c.6488C>G, p.Pro2163Arg (NM_001354901.2, NM_001407453.1); and 11 more; short protein forms P1939R, P2093R, P2121R, P2131R, P2240R, P2062R, P2139R, P2194R.
Identifiers: ClinVar variation 2719216 (VCV002719216.3), dbSNP rs367761032, ClinGen allele CA16035912.